The following is an entry in ClinVar:

NM_000338.3(SLC12A1):c.59G>A (p.Arg20His)

Gene: SLC12A1 (solute carrier family 12 member 1; plus strand). Cytogenetic location: 15q21.1.
Variant type: single nucleotide variant.
Coding change: c.59G>A on transcript NM_000338.3 (MANE Select); coding-DNA position 59, G replaced by A.
Protein change: p.Arg20His; replaces arginine 20 with histidine.
Molecular consequence: missense variant.
Genome position (GRCh38, 1-based): chr15:48,207,778, G>A. VCF-style: chr15-48207778-G-A. GRCh37 (hg19) VCF-style: chr15-48499975-G-A.
Other names: c.59G>A, p.Arg20His (NM_001184832.2); short protein forms R20H.
Identifiers: ClinVar variation 886274 (VCV000886274.11), dbSNP rs34661166, ClinGen allele CA7546682.
Genomic context (GRCh38, chr15:48,207,778, plus strand): 5'-AGATGTCACTGAACAACTCTTCCAATGTATTTCTGGATTCAGTGCCCAGTAATACCAATC[G>A]CTTTCAAGTTAGTGTCATAAATGAGAACCATGAGAGCAGTGCAGCTGCAGATGACAATAC-3'
Protein context (NP_000329.2, residues 10-30): FLDSVPSNTN[Arg20His]FQVSVINENH

ClinVar aggregate classification (germline): Conflicting classifications of pathogenicity. Review status: criteria provided, conflicting classifications (1 of 4 stars). 5 submissions from 5 submitters: Uncertain significance (2); Likely benign (3). Last evaluated 2026-04-07.

Conditions:
SLC12A1-related disorder. Also called: SLC12A1-related condition.
Bartter disease type 1. Also called: HYPOKALEMIC ALKALOSIS WITH HYPERCALCIURIA 1, ANTENATAL; HYPERPROSTAGLANDIN E SYNDROME 1; Bartter syndrome, type 1, antenatal; Bartter Syndrome type 1. Identifiers: Orphanet 112, Orphanet 620217, MedGen C1866495, MONDO:0100344, OMIM 601678, MONDO:0011127.

Allele frequency attached by ClinVar (database versions not stated): 1000 Genomes Project 0.00060; ExAC 0.00064; gnomAD exomes 0.00064; gnomAD 0.00070; TOPMed 0.00071; ESP Exome Variant Server 0.00077; 1000 Genomes Project 30x 0.00094.
gnomAD v4.1: 2,012 of 1,612,630 alleles (0.12%); highest among the groups gnomAD compares: Non-Finnish European, 0.15%; 1 homozygote.

Submissions (5):

PreventionGenetics, part of Exact Sciences
Classification: Likely benign for SLC12A1-related condition. Last evaluated: 2026-04-07. Review status: criteria provided, single submitter. Criteria: ACMG Guidelines, 2015. Collection method: clinical testing. Allele origin: germline.
Comment: This variant is classified as likely benign based on ACMG/AMP sequence variant interpretation guidelines (Richards et al. 2015 PMID: 25741868, with internal and published modifications).

GeneDx
Classification: Uncertain significance. Last evaluated: 2024-06-10. Review status: criteria provided, single submitter. Criteria: GeneDx Variant Classification Process June 2021. Collection method: clinical testing. Allele origin: germline. Affected: yes.
Comment: In silico analysis supports that this missense variant has a deleterious effect on protein structure/function; Has not been previously published as pathogenic or benign to our knowledge

Fulgent Genetics
Classification: Likely benign for Bartter disease type 1. Last evaluated: 2024-05-21. Review status: criteria provided, single submitter. Criteria: ACMG Guidelines, 2015. Collection method: clinical testing. Allele origin: germline.

Labcorp Genetics (formerly Invitae), Labcorp
Classification: Uncertain significance. Last evaluated: 2022-06-18. Review status: criteria provided, single submitter. Criteria: Invitae Variant Classification Sherloc (09022015). Collection method: clinical testing. Allele origin: germline.
Comment: This sequence change replaces arginine, which is basic and polar, with histidine, which is basic and polar, at codon 20 of the SLC12A1 protein (p.Arg20His). This variant is present in population databases (rs34661166, gnomAD 0.1%), and has an allele count higher than expected for a pathogenic variant. This variant has not been reported in the literature in individuals affected with SLC12A1-related conditions. ClinVar contains an entry for this variant (Variation ID: 886274). Algorithms developed to predict the effect of missense changes on protein structure and function are either unavailable or do not agree on the potential impact of this missense change (SIFT: "Deleterious"; PolyPhen-2: "Probably Damaging"; Align-GVGD: "Class C0"). In summary, the available evidence is currently insufficient to determine the role of this variant in disease. Therefore, it has been classified as a Variant of Uncertain Significance.

Illumina Laboratory Services, Illumina
Classification: Likely benign for Bartter disease type 1. Last evaluated: 2017-04-27. Review status: criteria provided, single submitter. Criteria: ICSL Variant Classification Criteria 13 December 2019. Collection method: clinical testing. Allele origin: germline.
Comment: This variant was observed as part of a predisposition screen in an ostensibly healthy population. A literature search was performed for the gene, cDNA change, and amino acid change (where applicable). No publications were found based on this search. Allele frequency data from public databases allowed determination this variant is unlikely to cause disease. Therefore, this variant is classified as likely benign.